The following is an entry in ClinVar:

NM_032119.4(ADGRV1):c.11458C>A (p.Pro3820Thr)

Gene: ADGRV1 (adhesion G protein-coupled receptor V1; plus strand). Cytogenetic location: 5q14.3.
Variant type: single nucleotide variant.
Coding change: c.11458C>A on transcript NM_032119.4 (MANE Select); coding-DNA position 11458, C replaced by A.
Protein change: p.Pro3820Thr; replaces proline 3820 with threonine.
Molecular consequence: missense variant. On other transcripts: non-coding transcript variant (1).
Genome position (GRCh38, 1-based): chr5:90,755,063, C>A. VCF-style: chr5-90755063-C-A. GRCh37 (hg19) VCF-style: chr5-90050880-C-A.
Other names: short protein forms P3820T.
Identifiers: ClinVar variation 1064758 (VCV001064758.1), dbSNP rs2149973588, ClinGen allele CA360366658.

ClinVar aggregate classification (germline): Uncertain significance (1 of 4 stars; one submission).

Conditions:
Usher syndrome type 2C. Also called: Usher syndrome, type 2B; USHER SYNDROME, TYPE IIC. Identifiers: Orphanet 231178, Orphanet 886, MedGen C2931213, MONDO:0011558, OMIM 605472.

Submission:

Ocular Genomics Institute, Massachusetts Eye and Ear
Classification: Uncertain significance for Usher syndrome type 2C. Last evaluated: 2021-04-08. Review status: criteria provided, single submitter. Criteria: ACMG Guidelines, 2015. Collection method: research. Allele origin: germline. Affected: yes.
Comment: Through a review of available evidence we were able to apply the following criteria: PM2. Based on this evidence we have classified this variant as Variant of Uncertian Significance.